The following is an entry in ClinVar:

ClinVar aggregate classification (germline): Uncertain significance. Review status: criteria provided, multiple submitters, no conflicts (2 of 4 stars). 3 submissions from 3 submitters: Uncertain significance (3). Last evaluated 2026-03-05.

Conditions:
Fumarase deficiency (FMRD). Also called: Fumaric aciduria; Fumarate Hydratase Deficiency. Identifiers: Orphanet 24, MedGen C0342770, MONDO:0011730, OMIM 606812.
Hereditary leiomyomatosis and renal cell cancer. Also called: FH tumor predisposition syndrome; LEIOMYOMA, MULTIPLE CUTANEOUS; MULTIPLE CUTANEOUS AND UTERINE LEIOMYOMATA 1, WITH OR WITHOUT RENAL CELL CARCINOMA; Multiple cutaneous leiomyomas; Familial leiomyomatosis; Reed syndrome. Identifiers: Orphanet 523, MedGen C1708350, MONDO:0007888, OMIM 150800, HP:0007437. Disease mechanism: loss of function.
Hereditary cancer-predisposing syndrome. Also called: Hereditary neoplastic syndrome; Tumor predisposition; Hereditary Cancer Syndrome; Neoplastic Syndromes, Hereditary. Identifiers: Orphanet 140162, MedGen C0027672, MeSH D009386, MONDO:0015356.

Allele frequency attached by ClinVar (database versions not stated): gnomAD exomes below 0.00001; ExAC 0.00001.
gnomAD v4.1: 5 of 1,613,868 alleles (0.00031%); highest among the groups gnomAD compares: Non-Finnish European, 0.00042%; no homozygotes.

Submissions (3):

Ambry Genetics
Classification: Uncertain significance for Hereditary cancer-predisposing syndrome. Last evaluated: 2026-03-05. Review status: criteria provided, single submitter. Criteria: Ambry Variant Classification Scheme 2023. Collection method: clinical testing. Allele origin: germline.
Comment: The p.T236I variant (also known as c.707C>T), located in coding exon 5 of the FH gene, results from a C to T substitution at nucleotide position 707. The threonine at codon 236 is replaced by isoleucine, an amino acid with similar properties. This amino acid position is highly conserved in available vertebrate species. In addition, this alteration is predicted to be deleterious by in silico analysis. Based on the available evidence, the clinical significance of this variant remains unclear.

Labcorp Genetics (formerly Invitae), Labcorp
Classification: Uncertain significance. Last evaluated: 2025-07-02. Review status: criteria provided, single submitter. Criteria: Invitae Variant Classification Sherloc (09022015). Collection method: clinical testing. Allele origin: germline.
Comment: This sequence change replaces threonine, which is neutral and polar, with isoleucine, which is neutral and non-polar, at codon 236 of the FH protein (p.Thr236Ile). This variant is present in population databases (rs773382103, gnomAD 0.0009%). This variant has not been reported in the literature in individuals affected with FH-related conditions. ClinVar contains an entry for this variant (Variation ID: 1440004). Invitae Evidence Modeling of protein sequence and biophysical properties (such as structural, functional, and spatial information, amino acid conservation, physicochemical variation, residue mobility, and thermodynamic stability) indicates that this missense variant is expected to disrupt FH protein function with a positive predictive value of 80%. In summary, the available evidence is currently insufficient to determine the role of this variant in disease. Therefore, it has been classified as a Variant of Uncertain Significance.

Fulgent Genetics
Classification: Uncertain significance for Hereditary leiomyomatosis and renal cell cancer; Fumarase deficiency. Last evaluated: 2022-03-31. Review status: criteria provided, single submitter. Criteria: ACMG Guidelines, 2015. Collection method: clinical testing. Allele origin: unknown.

NM_000143.4(FH):c.707C>T (p.Thr236Ile)

Gene: FH (fumarate hydratase; minus strand). Cytogenetic location: 1q43.
Variant type: single nucleotide variant.
Coding change: c.707C>T on transcript NM_000143.4 (MANE Select); coding-DNA position 707, C replaced by T.
Protein change: p.Thr236Ile; replaces threonine 236 with isoleucine.
Molecular consequence: missense variant.
Genome position (GRCh38, 1-based): chr1:241,508,634, G>A on the plus strand (C>T on the coding strand, the complement: FH is on the minus strand). VCF-style: chr1-241508634-G-A. GRCh37 (hg19) VCF-style: chr1-241671934-G-A.
Other names: c.707C>T (NM_000143.3); short protein forms T236I.
Identifiers: ClinVar variation 1440004 (VCV001440004.12), dbSNP rs773382103, ClinGen allele CA1478628.